The following is an entry in ClinVar:

ClinVar aggregate classification (germline): Uncertain significance (1 of 4 stars; one submission).

Conditions:
Charcot-Marie-Tooth disease type 4. Also called: Charcot-Marie-Tooth, Type 4; Charcot-Marie-Tooth disease, type IV. Identifiers: Orphanet 64749, MedGen C4082197, MONDO:0018995.

Submission:

Labcorp Genetics (formerly Invitae), Labcorp
Classification: Uncertain significance for Charcot-Marie-Tooth disease type 4. Last evaluated: 2022-10-17. Review status: criteria provided, single submitter. Criteria: Invitae Variant Classification Sherloc (09022015). Collection method: clinical testing. Allele origin: germline.
Comment: This sequence change replaces alanine, which is neutral and non-polar, with aspartic acid, which is acidic and polar, at codon 138 of the FGD4 protein (p.Ala138Asp). This variant is not present in population databases (gnomAD no frequency). This variant has not been reported in the literature in individuals affected with FGD4-related conditions. Advanced modeling of protein sequence and biophysical properties (such as structural, functional, and spatial information, amino acid conservation, physicochemical variation, residue mobility, and thermodynamic stability) performed at Invitae indicates that this missense variant is expected to disrupt FGD4 protein function. In summary, the available evidence is currently insufficient to determine the role of this variant in disease. Therefore, it has been classified as a Variant of Uncertain Significance.

NM_001370298.3(FGD4):c.824C>A (p.Ala275Asp)

Gene: FGD4 (FYVE, RhoGEF and PH domain containing 4; plus strand). Cytogenetic location: 12p11.21.
Variant type: single nucleotide variant.
Coding change: c.824C>A on transcript NM_001370298.3 (MANE Select); coding-DNA position 824, C replaced by A.
Protein change: p.Ala275Asp; replaces alanine 275 with aspartic acid.
Molecular consequence: missense variant. On other transcripts: 5 prime UTR variant (2), non-coding transcript variant (1), intron variant (1).
Genome position (GRCh38, 1-based): chr12:32,582,280, C>A. VCF-style: chr12-32582280-C-A. GRCh37 (hg19) VCF-style: chr12-32735214-C-A.
Other names: c.668C>A, p.Ala223Asp (NM_001304481.2); c.-432C>A (NM_001304483.2); c.-739C>A (NM_001304484.2); c.134C>A, p.Ala45Asp (NM_001330373.2, NM_001330374.2, NM_001384130.1); c.824C>A, p.Ala275Asp (NM_001384126.1); c.413C>A, p.Ala138Asp (NM_001384127.1, NM_001384128.1, NM_001384131.1 and 3 more transcripts); c.49-16217C>A (NM_001370297.1); short protein forms A138D, A45D, A223D, A275D.
Identifiers: ClinVar variation 1969988 (VCV001969988.5), dbSNP rs2540547859, ClinGen allele CA384356206.